The following is an entry in ClinVar:

NM_017780.4(CHD7):c.2915A>G (p.Gln972Arg)

Gene: CHD7 (chromodomain helicase DNA binding protein 7; plus strand). Cytogenetic location: 8q12.2.
Variant type: single nucleotide variant.
Coding change: c.2915A>G on transcript NM_017780.4 (MANE Select); coding-DNA position 2915, A replaced by G.
Protein change: p.Gln972Arg; replaces glutamine 972 with arginine.
Molecular consequence: missense variant. On other transcripts: intron variant (1).
Genome position (GRCh38, 1-based): chr8:60,822,103, A>G. VCF-style: chr8-60822103-A-G. GRCh37 (hg19) VCF-style: chr8-61734662-A-G.
Other names: c.1717-40126A>G (NM_001316690.1); c.2915A>G (LRG_176t1); short protein forms Q972R.
Identifiers: ClinVar variation 488372 (VCV000488372.5), dbSNP rs1554597512, ClinGen allele CA371308546.
Genomic context (GRCh38, chr8:60,822,103, plus strand): 5'-ATTGGAAGAAATCGGAGAGTTCCAGGGAGTATAAAAACAATAACAAACTCAGGGAATACC[A>G]GTTGGAGGGAGTAAACTGGCTACTTTTCAATTGGTACAACATGTATGTAAAACAAGTTTT-3'
Protein context (NP_060250.2, residues 962-982): YKNNNKLREY[Gln972Arg]LEGVNWLLFN

ClinVar aggregate classification (germline): Uncertain significance. Review status: criteria provided, single submitter (1 of 4 stars). 3 submissions from 3 submitters: Uncertain significance (1). 2 of the submissions do not count toward it. Last evaluated 2025-03-05.

Conditions:
CHARGE syndrome (CHARGE). Also called: Hittner Hirsch Kreh syndrome; CHARGE ASSOCIATION--COLOBOMA, HEART ANOMALY, CHOANAL ATRESIA, RETARDATION, GENITAL AND EAR ANOMALIES; Coloboma, heart anomaly, choanal atresia, retardation, genital and ear anomalies; CHARGE association; Hall-Hittner syndrome. Identifiers: Orphanet 138, MedGen C0265354, MONDO:0008965.

Submissions (3):

Dasa
Classification: Uncertain significance. Last evaluated: 2025-03-05. Review status: criteria provided, single submitter. Criteria: DASA Assertion Criteria. Collection method: clinical testing. Allele origin: germline.
Comment: NM_017780.4(CHD7):c.2915A>G (p.Gln972Arg) is a missense variant that results in the substitution of glutamine with arginine. This variant has been reported as a de novo occurrence in an affected individual (PMID: 29300383). Also, this variant is absent from population databases. Computational prediction algorithms are consistent with a deleterious effect. The currently available literature and clinical evidence are not sufficient to establish a definitive association between this variant and the reported condition. Therefore, this variant is classified as a variant of uncertain significance.

Sbielas Lab-Department of Human Genetics University of Michigan, University of Michigan Medical School
Classification: Pathogenic for CHD7-related CHARGE syndrome. Last evaluated: 2017-10-27. Review status: no assertion criteria provided. Collection method: research. Allele origin: de novo. Affected: yes. Not counted in ClinVar's aggregate classification.

University of Washington Center for Mendelian Genomics, University of Washington
Classification: Likely pathogenic for CHARGE syndrome. Review status: no assertion criteria provided. Collection method: research. Allele origin: de novo. Affected: yes. Not counted in ClinVar's aggregate classification.

Literature cited by the submitters: PubMed 29300383 (cited by 3 submitters).